The following is an entry in ClinVar:

ClinVar aggregate classification (germline): Uncertain significance (1 of 4 stars; one submission).

Conditions:
Cardiovascular phenotype. Identifiers: MedGen CN230736.

Submission:

Ambry Genetics
Classification: Uncertain significance for Cardiovascular phenotype. Last evaluated: 2023-11-21. Review status: criteria provided, single submitter. Criteria: Ambry Variant Classification Scheme 2023. Collection method: clinical testing. Allele origin: germline.
Comment: The p.T1393A variant (also known as c.4177A>G), located in coding exon 10 of the TNXB gene, results from an A to G substitution at nucleotide position 4177. The threonine at codon 1393 is replaced by alanine, an amino acid with similar properties. This amino acid position is conserved. In addition, this alteration is predicted to be tolerated by in silico analysis. Since supporting evidence is limited at this time, the clinical significance of this alteration remains unclear.

NM_001365276.2(TNXB):c.4177A>G (p.Thr1393Ala)

Gene: TNXB (tenascin XB; minus strand). Cytogenetic location: 6p21.33.
Variant type: single nucleotide variant.
Coding change: c.4177A>G on transcript NM_001365276.2 (MANE Select); coding-DNA position 4177, A replaced by G.
Protein change: p.Thr1393Ala; replaces threonine 1393 with alanine.
Molecular consequence: missense variant.
Genome position (GRCh38, 1-based): chr6:32,079,231, T>C on the plus strand (A>G on the coding strand, the complement: TNXB is on the minus strand). VCF-style: chr6-32079231-T-C. GRCh37 (hg19) VCF-style: chr6-32047008-T-C.
Other names: c.4918A>G, p.Thr1640Ala (NM_001428335.1); c.4177A>G, p.Thr1393Ala (NM_019105.8); short protein forms T1393A, T1640A.
Identifiers: ClinVar variation 3227277 (VCV003227277.1), dbSNP rs2483654739, ClinGen allele CA363428889.